The following is an entry in ClinVar:

ClinVar aggregate classification (germline): Uncertain significance (1 of 4 stars; one submission).

Conditions:
Ataxia-telangiectasia syndrome (AT). Also called: Ataxia-telangiectasia; LOUIS-BAR SYNDROME; Ataxia-telangiectasia, complementation group D; AT, COMPLEMENTATION GROUP C; ATAXIA-TELANGIECTASIA, COMPLEMENTATION GROUP A; ATAXIA-TELANGIECTASIA, FRESNO VARIANT. Identifiers: Orphanet 100, MedGen C0004135, MONDO:0008840, OMIM 208900.

Submission:

Labcorp Genetics (formerly Invitae), Labcorp
Classification: Uncertain significance for Ataxia-telangiectasia syndrome. Last evaluated: 2021-07-22. Review status: criteria provided, single submitter. Criteria: Invitae Variant Classification Sherloc (09022015). Collection method: clinical testing. Allele origin: germline.
Comment: In summary, the available evidence is currently insufficient to determine the role of this variant in disease. Therefore, it has been classified as a Variant of Uncertain Significance. Advanced modeling of protein sequence and biophysical properties (such as structural, functional, and spatial information, amino acid conservation, physicochemical variation, residue mobility, and thermodynamic stability) performed at Invitae indicates that this missense variant is expected to disrupt ATM protein function. This variant has not been reported in the literature in individuals affected with ATM-related conditions. This variant is not present in population databases (ExAC no frequency). This sequence change replaces tyrosine with asparagine at codon 2791 of the ATM protein (p.Tyr2791Asn). The tyrosine residue is highly conserved and there is a large physicochemical difference between tyrosine and asparagine.

NM_000051.4(ATM):c.8371T>A (p.Tyr2791Asn)

Genes: ATM (ATM serine/threonine kinase; plus strand), C11orf65 (chromosome 11 open reading frame 65; minus strand). Cytogenetic location: 11q22.3.
Variant type: single nucleotide variant.
Coding change: c.8371T>A on transcript NM_000051.4 (MANE Select); coding-DNA position 8371, T replaced by A.
Protein change: p.Tyr2791Asn; replaces tyrosine 2791 with asparagine.
Molecular consequence: missense variant. On other transcripts: intron variant (2).
Genome position (GRCh38, 1-based): chr11:108,343,324, T>A. VCF-style: chr11-108343324-T-A. GRCh37 (hg19) VCF-style: chr11-108214051-T-A.
Other names: c.8371T>A, p.Tyr2791Asn (NM_001351834.2); c.641-34253A>T (NM_001330368.2); c.695-8032A>T (NM_001351110.2); short protein forms Y2791N.
Identifiers: ClinVar variation 1369141 (VCV001369141.9), dbSNP rs1020805015, ClinGen allele CA382516526.